The following is an entry in ClinVar:

ClinVar aggregate classification (germline): Likely benign (1 of 4 stars; one submission).

gnomAD v4.1: 172 of 1,613,826 alleles (0.011%); highest among the groups gnomAD compares: Admixed American, 0.22%; no homozygotes.

Submission:

CeGaT Center for Human Genetics Tuebingen
Classification: Likely benign. Last evaluated: 2026-08-01. Review status: criteria provided, single submitter. Criteria: CeGaT Center For Human Genetics Tuebingen Variant Classification Criteria Version 2. Collection method: clinical testing. Allele origin: germline. Affected: yes. Observed: 2 variant alleles.
Comment: ZFHX3: BP4, BP7

NM_006885.4(ZFHX3):c.459C>T (p.Gly153=)

Gene: ZFHX3 (zinc finger homeobox 3; minus strand). Cytogenetic location: 16q22.3.
Variant type: single nucleotide variant.
Coding change: c.459C>T on transcript NM_006885.4 (MANE Select); coding-DNA position 459, C replaced by T.
Protein change: p.Gly153=; no amino-acid change (glycine 153 retained).
Molecular consequence: synonymous variant. On other transcripts: intron variant (1).
Genome position (GRCh38, 1-based): chr16:72,959,687, G>A on the plus strand (C>T on the coding strand, the complement: ZFHX3 is on the minus strand). VCF-style: chr16-72959687-G-A. GRCh37 (hg19) VCF-style: chr16-72993586-G-A.
Other names: c.459C>T, p.Gly153= (NM_001386735.1); c.-23-8722C>T (NM_001164766.2).
Identifiers: ClinVar variation 5038733 (VCV005038733.1).